The following is an entry in ClinVar:

ClinVar aggregate classification (germline): Uncertain significance (1 of 4 stars; one submission).

Conditions:
Hereditary cancer-predisposing syndrome. Also called: Tumor predisposition; Hereditary Cancer Syndrome; Neoplastic Syndromes, Hereditary; Hereditary neoplastic syndrome. Identifiers: Orphanet 140162, MedGen C0027672, MeSH D009386, MONDO:0015356.

Submission:

Ambry Genetics
Classification: Uncertain significance for Hereditary cancer-predisposing syndrome. Last evaluated: 2020-06-25. Review status: criteria provided, single submitter. Criteria: Ambry Variant Classification Scheme 2023. Collection method: clinical testing. Allele origin: germline.
Comment: The p.D902N variant (also known as c.2704G>A), located in coding exon 13 of the BLM gene, results from a G to A substitution at nucleotide position 2704. The aspartic acid at codon 902 is replaced by asparagine, an amino acid with highly similar properties. This amino acid position is highly conserved in available vertebrate species. In addition, the in silico prediction for this alteration is inconclusive. Since supporting evidence is limited at this time, the clinical significance of this alteration remains unclear.

NM_000057.4(BLM):c.2704G>A (p.Asp902Asn)

Gene: BLM (BLM RecQ like helicase; plus strand). Cytogenetic location: 15q26.1.
Variant type: single nucleotide variant.
Coding change: c.2704G>A on transcript NM_000057.4 (MANE Select); coding-DNA position 2704, G replaced by A.
Protein change: p.Asp902Asn; replaces aspartic acid 902 with asparagine.
Molecular consequence: missense variant.
Genome position (GRCh38, 1-based): chr15:90,784,962, G>A. VCF-style: chr15-90784962-G-A. GRCh37 (hg19) VCF-style: chr15-91328192-G-A.
Other names: c.2704G>A, p.Asp902Asn (NM_001287246.2, NM_001287247.2); c.1579G>A, p.Asp527Asn (NM_001287248.2); short protein forms D527N, D902N.
Identifiers: ClinVar variation 1794965 (VCV001794965.2), dbSNP rs2505501458, ClinGen allele CA393845929.